The following is an entry in ClinVar:

ClinVar aggregate classification (germline): Uncertain significance. Review status: criteria provided, multiple submitters, no conflicts (2 of 4 stars). 3 submissions from 3 submitters: Uncertain significance (3). Last evaluated 2024-06-01.

Conditions:
Autosomal recessive ataxia, Beauce type. Also called: ATAXIA, RECESSIVE, OF BEAUCE; SYNE1 Deficiency; SYNE1-Related Autosomal Recessive Cerebellar Ataxia; Spinocerebellar ataxia, autosomal recessive 8. Identifiers: Orphanet 88644, MedGen C1853116, MONDO:0012549, OMIM 610743.
Emery-Dreifuss muscular dystrophy 4, autosomal dominant (EDMD4). Also called: EMERY-DREIFUSS MUSCULAR DYSTROPHY 4 WITH VARIABLE FEATURES. Identifiers: Orphanet 261, MedGen C2751807, MONDO:0013071, OMIM 612998.

Allele frequency attached by ClinVar (database versions not stated): gnomAD 0.00001; gnomAD exomes 0.00001; TOPMed 0.00002.
gnomAD v4.1: 8 of 1,614,008 alleles (0.0005%); highest among the groups gnomAD compares: South Asian, 0.0011%; no homozygotes.

Submissions (3):

CeGaT Center for Human Genetics Tuebingen
Classification: Uncertain significance. Last evaluated: 2024-06-01. Review status: criteria provided, single submitter. Criteria: CeGaT Center For Human Genetics Tuebingen Variant Classification Criteria Version 2. Collection method: clinical testing. Allele origin: germline. Affected: yes. Observed: 1 variant allele.

Labcorp Genetics (formerly Invitae), Labcorp
Classification: Uncertain significance for Emery-Dreifuss muscular dystrophy 4, autosomal dominant; Autosomal recessive ataxia, Beauce type. Last evaluated: 2022-06-23. Review status: criteria provided, single submitter. Criteria: Invitae Variant Classification Sherloc (09022015). Collection method: clinical testing. Allele origin: germline.
Comment: This sequence change replaces arginine, which is basic and polar, with histidine, which is basic and polar, at codon 7993 of the SYNE1 protein (p.Arg7993His). This variant is present in population databases (no rsID available, gnomAD 0.002%). This variant has not been reported in the literature in individuals affected with SYNE1-related conditions. ClinVar contains an entry for this variant (Variation ID: 423817). Algorithms developed to predict the effect of missense changes on protein structure and function are either unavailable or do not agree on the potential impact of this missense change (SIFT: "Deleterious"; PolyPhen-2: "Probably Damaging"; Align-GVGD: "Class C0"). In summary, the available evidence is currently insufficient to determine the role of this variant in disease. Therefore, it has been classified as a Variant of Uncertain Significance.

GeneDx
Classification: Uncertain significance. Last evaluated: 2017-02-28. Review status: criteria provided, single submitter. Criteria: GeneDx Variant Classification (06012015). Collection method: clinical testing. Allele origin: germline. Affected: yes.
Comment: The R7993H variant in the SYNE1 gene has not been reported previously as a pathogenic variant, nor as a benign variant, to our knowledge. This variant is not observed in large population cohorts (Lek et al., 2016; 1000 Genomes Consortium et al., 2015; Exome Variant Server). The R7993H variant is a conservative amino acid substitution, which is not likely to impact secondary protein structure as these residues share similar properties. However, this substitution occurs at a position that is conserved across species, and in silico analysis predicts this variant is probably damaging to the protein structure/function. We interpret R7993H as a variant of uncertain significance.

NM_182961.4(SYNE1):c.24191G>A (p.Arg8064His)

Gene: SYNE1 (spectrin repeat containing nuclear envelope protein 1; minus strand). Cytogenetic location: 6q25.2.
Variant type: single nucleotide variant.
Coding change: c.24191G>A on transcript NM_182961.4 (MANE Select); coding-DNA position 24191, G replaced by A.
Protein change: p.Arg8064His; replaces arginine 8064 with histidine.
Molecular consequence: missense variant.
Genome position (GRCh38, 1-based): chr6:152,152,080, C>T on the plus strand (G>A on the coding strand, the complement: SYNE1 is on the minus strand). VCF-style: chr6-152152080-C-T. GRCh37 (hg19) VCF-style: chr6-152473215-C-T.
Other names: c.797G>A, p.Arg266His (NM_001347701.2); c.656G>A, p.Arg219His (NM_001347702.2); c.23978G>A, p.Arg7993His (NM_033071.5); short protein forms R7993H, R8064H, R219H, R266H.
Identifiers: ClinVar variation 423817 (VCV000423817.24), dbSNP rs1042685641, ClinGen allele CA16618255.